The following is an entry in ClinVar:

ClinVar aggregate classification (germline): Uncertain significance (1 of 4 stars; one submission).

Conditions:
Charcot-Marie-Tooth disease type 2. Also called: Charcot-Marie-Tooth type 2. Identifiers: Orphanet 64746, MedGen C0270914, MONDO:0018993.

Submission:

Labcorp Genetics (formerly Invitae), Labcorp
Classification: Uncertain significance for Charcot-Marie-Tooth disease type 2. Last evaluated: 2022-05-31. Review status: criteria provided, single submitter. Criteria: Invitae Variant Classification Sherloc (09022015). Collection method: clinical testing. Allele origin: germline.
Comment: This sequence change replaces leucine, which is neutral and non-polar, with serine, which is neutral and polar, at codon 501 of the MFN2 protein (p.Leu501Ser). This variant is not present in population databases (gnomAD no frequency). This variant has not been reported in the literature in individuals affected with MFN2-related conditions. Advanced modeling of protein sequence and biophysical properties (such as structural, functional, and spatial information, amino acid conservation, physicochemical variation, residue mobility, and thermodynamic stability) performed at Invitae indicates that this missense variant is expected to disrupt MFN2 protein function. In summary, the available evidence is currently insufficient to determine the role of this variant in disease. Therefore, it has been classified as a Variant of Uncertain Significance.

NM_014874.4(MFN2):c.1502T>C (p.Leu501Ser)

Gene: MFN2 (mitofusin 2; plus strand). Cytogenetic location: 1p36.22.
Variant type: single nucleotide variant.
Coding change: c.1502T>C on transcript NM_014874.4 (MANE Select); coding-DNA position 1502, T replaced by C.
Protein change: p.Leu501Ser; replaces leucine 501 with serine.
Molecular consequence: missense variant.
Genome position (GRCh38, 1-based): chr1:12,005,717, T>C. VCF-style: chr1-12005717-T-C. GRCh37 (hg19) VCF-style: chr1-12065774-T-C.
Other names: c.1502T>C, p.Leu501Ser (NM_001127660.2); short protein forms L501S.
Identifiers: ClinVar variation 2001545 (VCV002001545.4), dbSNP rs2523086773, ClinGen allele CA338447832.